The following is an entry in ClinVar:

NM_005060.4(RORC):c.374G>A (p.Arg125Gln)

Gene: RORC (RAR related orphan receptor C; minus strand). Cytogenetic location: 1q21.3.
Variant type: single nucleotide variant.
Coding change: c.374G>A on transcript NM_005060.4 (MANE Select); coding-DNA position 374, G replaced by A.
Protein change: p.Arg125Gln; replaces arginine 125 with glutamine.
Molecular consequence: missense variant.
Genome position (GRCh38, 1-based): chr1:151,815,350, C>T on the plus strand (G>A on the coding strand, the complement: RORC is on the minus strand). VCF-style: chr1-151815350-C-T. GRCh37 (hg19) VCF-style: chr1-151787826-C-T.
Other names: c.311G>A, p.Arg104Gln (NM_001001523.2); short protein forms R104Q, R125Q.
Identifiers: ClinVar variation 948680 (VCV000948680.8), dbSNP rs200303989, ClinGen allele CA1095930.

ClinVar aggregate classification (germline): Conflicting classifications of pathogenicity. Review status: criteria provided, conflicting classifications (1 of 4 stars). 3 submissions from 3 submitters: Uncertain significance (1); Likely benign (2). Last evaluated 2024-03-15.

Conditions:
Inborn genetic diseases. Identifiers: MedGen C0950123, MeSH D030342.
Autosomal recessive mendelian susceptibility to mycobacterial diseases due to complete RORgamma receptor deficiency. Also called: Immunodeficiency 42. Identifiers: Orphanet 477857, MedGen C5567647, MONDO:0014710, OMIM 616622.

Allele frequency attached by ClinVar (database versions not stated): gnomAD 0.00001; gnomAD exomes 0.00002 and 0.00011; TOPMed 0.00002; ExAC 0.00009.
gnomAD v4.1: 34 of 1,587,980 alleles (0.0021%); highest among the groups gnomAD compares: East Asian, 0.052%; no homozygotes.

Submissions (3):

Ambry Genetics
Classification: Likely benign for Inborn genetic diseases. Last evaluated: 2024-03-15. Review status: criteria provided, single submitter. Criteria: Ambry Variant Classification Scheme 2023. Collection method: clinical testing. Allele origin: germline.

Blueprint Genetics
Classification: Likely benign. Last evaluated: 2023-02-16. Review status: criteria provided, single submitter. Criteria: ACMG Guidelines, 2015. Collection method: clinical testing. Allele origin: germline.

Labcorp Genetics (formerly Invitae), Labcorp
Classification: Uncertain significance for Autosomal recessive mendelian susceptibility to mycobacterial diseases due to complete RORgamma receptor deficiency. Last evaluated: 2022-05-30. Review status: criteria provided, single submitter. Criteria: Invitae Variant Classification Sherloc (09022015). Collection method: clinical testing. Allele origin: germline.
Comment: This sequence change replaces arginine, which is basic and polar, with glutamine, which is neutral and polar, at codon 125 of the RORC protein (p.Arg125Gln). This variant is present in population databases (rs200303989, gnomAD 0.1%). This variant has not been reported in the literature in individuals affected with RORC-related conditions. ClinVar contains an entry for this variant (Variation ID: 948680). Algorithms developed to predict the effect of missense changes on protein structure and function output the following: SIFT: "Tolerated"; PolyPhen-2: "Benign"; Align-GVGD: "Class C0". The glutamine amino acid residue is found in multiple mammalian species, which suggests that this missense change does not adversely affect protein function. In summary, the available evidence is currently insufficient to determine the role of this variant in disease. Therefore, it has been classified as a Variant of Uncertain Significance.